The following is an entry in ClinVar:

ClinVar aggregate classification (germline): Uncertain significance (1 of 4 stars; one submission).

Conditions:
Charcot-Marie-Tooth disease axonal type 2C (HMSN2C). Also called: CHARCOT-MARIE-TOOTH DISEASE, AXONAL, AUTOSOMAL DOMINANT, TYPE 2C; Charcot-Marie-Tooth Neuropathy Type 2C; Charcot-Marie-Tooth Disease Type 2, TRPV4-Related (CMT2C). Identifiers: Orphanet 99937, MedGen C1853710, MONDO:0011633, OMIM 606071.

Allele frequency attached by ClinVar (database versions not stated): gnomAD exomes 0.00001.
gnomAD v4.1: 4 of 1,614,244 alleles (0.00025%); highest among the groups gnomAD compares: South Asian, 0.0033%; no homozygotes.

Submission:

Labcorp Genetics (formerly Invitae), Labcorp
Classification: Uncertain significance for Charcot-Marie-Tooth disease axonal type 2C. Last evaluated: 2023-05-22. Review status: criteria provided, single submitter. Criteria: Invitae Variant Classification Sherloc (09022015). Collection method: clinical testing. Allele origin: germline.
Comment: Advanced modeling of protein sequence and biophysical properties (such as structural, functional, and spatial information, amino acid conservation, physicochemical variation, residue mobility, and thermodynamic stability) has been performed at Invitae for this missense variant, however the output from this modeling did not meet the statistical confidence thresholds required to predict the impact of this variant on TRPV4 protein function. In summary, the available evidence is currently insufficient to determine the role of this variant in disease. Therefore, it has been classified as a Variant of Uncertain Significance. This variant has not been reported in the literature in individuals affected with TRPV4-related conditions. This variant is not present in population databases (gnomAD no frequency). This sequence change replaces proline, which is neutral and non-polar, with threonine, which is neutral and polar, at codon 658 of the TRPV4 protein (p.Pro658Thr).

NM_021625.5(TRPV4):c.1972C>A (p.Pro658Thr)

Gene: TRPV4 (transient receptor potential cation channel subfamily V member 4; minus strand). Cytogenetic location: 12q24.11.
Variant type: single nucleotide variant.
Coding change: c.1972C>A on transcript NM_021625.5 (MANE Select); coding-DNA position 1972, C replaced by A.
Protein change: p.Pro658Thr; replaces proline 658 with threonine.
Molecular consequence: missense variant.
Genome position (GRCh38, 1-based): chr12:109,788,636, G>T on the plus strand (C>A on the coding strand, the complement: TRPV4 is on the minus strand). VCF-style: chr12-109788636-G-T. GRCh37 (hg19) VCF-style: chr12-110226441-G-T.
Other names: c.1831C>A, p.Pro611Thr (NM_001177428.2); c.1870C>A, p.Pro624Thr (NM_001177431.2); c.1651C>A, p.Pro551Thr (NM_001177433.2); c.1792C>A, p.Pro598Thr (NM_147204.3); short protein forms P551T, P611T, P658T, P598T, P624T.
Identifiers: ClinVar variation 2816448 (VCV002816448.3), dbSNP rs2548718400, ClinGen allele CA386650946.